The following is an entry in ClinVar:

ClinVar aggregate classification (germline): Uncertain significance (1 of 4 stars; one submission).
ClinVar aggregate classification (oncogenicity): Uncertain significance (0 of 4 stars; one submission).

Conditions:
Gastrointestinal stromal tumor. Also called: Gastrointestinal stromal tumor, somatic; Gastrointestinal stroma tumor. Identifiers: Orphanet 44890, MedGen C0238198, MeSH D046152, MONDO:0011719, OMIM 606764, HP:0100723.

Submissions (2):

Labcorp Genetics (formerly Invitae), Labcorp
Classification: Uncertain significance for Gastrointestinal stromal tumor. Last evaluated: 2022-12-31. Review status: criteria provided, single submitter. Criteria: Invitae Variant Classification Sherloc (09022015). Collection method: clinical testing. Allele origin: germline.
Comment: This sequence change replaces valine, which is neutral and non-polar, with isoleucine, which is neutral and non-polar, at codon 559 of the KIT protein (p.Val559Ile). This variant is not present in population databases (gnomAD no frequency). In summary, the available evidence is currently insufficient to determine the role of this variant in disease. Therefore, it has been classified as a Variant of Uncertain Significance. This variant disrupts the p.Val559 amino acid residue in KIT. Other variant(s) that disrupt this residue have been determined to be pathogenic (PMID: 11208730, 11505412, 15837988, 24847623). This suggests that this residue is clinically significant, and that variants that disrupt this residue are likely to be disease-causing. Experimental studies have shown that this missense change affects KIT function (PMID: 17259998). Algorithms developed to predict the effect of missense changes on protein structure and function (SIFT, PolyPhen-2, Align-GVGD) all suggest that this variant is likely to be disruptive. ClinVar contains an entry for this variant (Variation ID: 376056). This variant has not been reported in the literature in individuals affected with KIT-related conditions.

National Institute of Cancer Research, National Health Research Institutes
Classification: Uncertain significance for Gastrointestinal stromal tumor. Review status: no assertion criteria provided. Collection method: research. Allele origin: somatic. Observed: 1 variant allele.
Comment: clinical data

Literature cited by the submitters: PubMed 11208730 (cited by Labcorp Genetics (formerly Invitae), Labcorp); PubMed 11505412 (cited by Labcorp Genetics (formerly Invitae), Labcorp); PubMed 15837988 (cited by Labcorp Genetics (formerly Invitae), Labcorp); PubMed 24847623 (cited by Labcorp Genetics (formerly Invitae), Labcorp); PubMed 17259998 (cited by Labcorp Genetics (formerly Invitae), Labcorp).

NM_000222.3(KIT):c.1675G>A (p.Val559Ile)

Gene: KIT (KIT proto-oncogene, receptor tyrosine kinase; plus strand). Cytogenetic location: 4q12.
Variant type: single nucleotide variant.
Coding change: c.1675G>A on transcript NM_000222.3 (MANE Select); coding-DNA position 1675, G replaced by A.
Protein change: p.Val559Ile; replaces valine 559 with isoleucine.
Molecular consequence: missense variant.
Genome position (GRCh38, 1-based): chr4:54,727,443, G>A. VCF-style: chr4-54727443-G-A. GRCh37 (hg19) VCF-style: chr4-55593609-G-A.
Other names: c.1663G>A, p.Val555Ile (NM_001093772.2, NM_001385286.1); c.1678G>A, p.Val560Ile (NM_001385284.1, NM_001385290.1); c.1675G>A, p.Val559Ile (NM_001385285.1); c.1666G>A, p.Val556Ile (NM_001385288.1, NM_001385292.1); short protein forms V559I, V555I, V556I, V560I.
Identifiers: ClinVar variation 376056 (VCV000376056.18), dbSNP rs121913520, ClinGen allele CA16602523.
Genomic context (GRCh38, chr4:54,727,443, plus strand): 5'-AAAGGTGATCTATTTTTCCCTTTCTCCCCACAGAAACCCATGTATGAAGTACAGTGGAAG[G>A]TTGTTGAGGAGATAAATGGAAACAATTATGTTTACATAGACCCAACACAACTTCCTTATG-3'
Protein context (NP_000213.1, residues 549-569): QKPMYEVQWK[Val559Ile]VEEINGNNYV